The following is an entry in ClinVar:

NM_001744.6(CAMK4):c.838T>G (p.Leu280Val)

Gene: CAMK4 (calcium/calmodulin dependent protein kinase IV; plus strand). Cytogenetic location: 5q22.1.
Variant type: single nucleotide variant.
Coding change: c.838T>G on transcript NM_001744.6 (MANE Select); coding-DNA position 838, T replaced by G.
Protein change: p.Leu280Val; replaces leucine 280 with valine.
Molecular consequence: missense variant.
Genome position (GRCh38, 1-based): chr5:111,482,794, T>G. VCF-style: chr5-111482794-T-G. GRCh37 (hg19) VCF-style: chr5-110818492-T-G.
Other names: c.838T>G, p.Leu280Val (NM_001323374.2, NM_001323375.2); c.247T>G, p.Leu83Val (NM_001323376.2, NM_001323377.2); short protein forms L280V, L83V.
Identifiers: ClinVar variation 4082766 (VCV004082766.1).
Genomic context (GRCh38, chr5:111,482,794, plus strand): 5'-CCCAGGTCATCCTAAAAACCTCGCTAAGTTTATGGTTCTTTATTATTTCAGGTCAGAAAA[T>G]TAATTGTTTTGGATCCAAAGAAACGGCTGACTACATTTCAAGCTCTCCAGCATCCGTGGG-3'
Protein context (NP_001735.1, residues 270-290): SLNAKDLVRK[Leu280Val]IVLDPKKRLT

ClinVar aggregate classification (germline): Uncertain significance (1 of 4 stars; one submission).

Submission:

GeneDx
Classification: Uncertain significance. Last evaluated: 2025-03-07. Review status: criteria provided, single submitter. Criteria: GeneDx Variant Classification Process June 2021. Collection method: clinical testing. Allele origin: germline. Affected: yes.
Comment: Not observed at significant frequency in large population cohorts (gnomAD); In silico analysis supports that this missense variant has a deleterious effect on protein structure/function; Has not been previously published as pathogenic or benign to our knowledge